The following is an entry in ClinVar:

ClinVar aggregate classification (germline): Uncertain significance. Review status: criteria provided, multiple submitters, no conflicts (2 of 4 stars). 2 submissions from 2 submitters: Uncertain significance (2). Last evaluated 2024-11-18.

Conditions:
Inborn genetic diseases. Identifiers: MedGen C0950123, MeSH D030342.

Submissions (2):

Ambry Genetics
Classification: Uncertain significance for Inborn genetic diseases. Last evaluated: 2024-11-18. Review status: criteria provided, single submitter. Criteria: Ambry Variant Classification Scheme 2023. Collection method: clinical testing. Allele origin: germline.
Comment: The p.G146D variant (also known as c.437G>A), located in coding exon 4 of the ELANE gene, results from a G to A substitution at nucleotide position 437. The glycine at codon 146 is replaced by aspartic acid, an amino acid with similar properties. This amino acid position is conserved. In addition, this alteration is predicted to be tolerated by in silico analysis. Based on the available evidence, the clinical significance of this variant remains unclear.

GeneDx
Classification: Uncertain significance. Last evaluated: 2014-01-03. Review status: criteria provided, single submitter. Criteria: GeneDx Variant Classification (06012015). Collection method: clinical testing. Allele origin: germline. Affected: yes.
Comment: To our knowledge, the G146D missense substitution has neither been published as a mutation, nor reported as a benign polymorphism. This variant was not observed in approximately 6,500 individuals of European and African American ancestry in the NHLBI Exome Sequencing Project, indicating it is not a common benign variant in these populations. G146D represents a non-conservative amino acid substitution as a small, non-polar Glycine residue is replaced with a large, negatively-charged Aspartic Acid residue. However, this substitution occurs at a position in the ELANE protein that is only moderately conserved among species. Therefore, based on the currently available information, it is unclear whether G146D is a disease-causing mutation or a rare benign variant.

NM_001972.4(ELANE):c.437G>A (p.Gly146Asp)

Gene: ELANE (elastase, neutrophil expressed; plus strand). Cytogenetic location: 19p13.3.
Variant type: single nucleotide variant.
Coding change: c.437G>A on transcript NM_001972.4 (MANE Select); coding-DNA position 437, G replaced by A.
Protein change: p.Gly146Asp; replaces glycine 146 with aspartic acid.
Molecular consequence: missense variant.
Genome position (GRCh38, 1-based): chr19:855,634, G>A. VCF-style: chr19-855634-G-A. GRCh37 (hg19) VCF-style: chr19-855634-G-A.
Other names: c.437G>A (LRG_57t1); short protein forms G146D.
Identifiers: ClinVar variation 242282 (VCV000242282.3), dbSNP rs878855316, ClinGen allele CA10583961.